The following is an entry in ClinVar:

NM_001127511.3(APC):c.165+20391G>C

Gene: APC (APC regulator of Wnt signaling pathway; plus strand). Cytogenetic location: 5q22.2.
Variant type: single nucleotide variant.
Coding change: c.165+20391G>C on transcript NM_001127511.3; 20391 bases into the intron after coding-DNA position 165, G replaced by C.
Molecular consequence: intron variant.
Genome position (GRCh38, 1-based): chr5:112,728,273, G>C. VCF-style: chr5-112728273-G-C. GRCh37 (hg19) VCF-style: chr5-112063970-G-C.
Other names: c.-1054+20391G>C (NM_001407470.1, NM_001407472.1); c.-19+20391G>C (NM_001407447.1, NM_001354895.2, NM_001407456.1 and 3 more transcripts); c.165+20391G>C (NM_001407446.1, NM_001354897.2, NM_001354902.2); c.-19+20624G>C (NM_001407448.1, NM_001407450.1, NM_001407457.1 and 1 more transcripts); c.-43+20624G>C (NM_001407453.1).
Identifiers: ClinVar variation 82703 (VCV000082703.4), dbSNP rs74441146, ClinGen allele CA023478.

ClinVar aggregate classification (germline): other (0 of 4 stars; one submission).

Conditions:
Familial colorectal cancer. Identifiers: MedGen CN280943, MONDO:0023113. Disease mechanism: loss of function.

Submission:

Systems Biology Platform Zhejiang California International NanoSystems Institute
Classification: other for Familial colorectal cancer. Review status: no assertion criteria provided. Collection method: not provided. Allele origin: unknown.
ClinVar note: Converted during submission from cancer to other.